The following is an entry in ClinVar:

NM_001378964.1(CDON):c.3602G>A (p.Gly1201Asp)

Gene: CDON (cell adhesion associated, oncogene regulated; minus strand). Cytogenetic location: 11q24.2.
Variant type: single nucleotide variant.
Coding change: c.3602G>A on transcript NM_001378964.1 (MANE Select); coding-DNA position 3602, G replaced by A.
Protein change: p.Gly1201Asp; replaces glycine 1201 with aspartic acid.
Molecular consequence: missense variant.
Genome position (GRCh38, 1-based): chr11:125,961,753, C>T on the plus strand (G>A on the coding strand, the complement: CDON is on the minus strand). VCF-style: chr11-125961753-C-T. GRCh37 (hg19) VCF-style: chr11-125831648-C-T.
Other names: c.3602G>A, p.Gly1201Asp (NM_001243597.3, NM_016952.6); short protein forms G1201D.
Identifiers: ClinVar variation 877741 (VCV000877741.14), dbSNP rs200042535, ClinGen allele CA6351367.

ClinVar aggregate classification (germline): Conflicting classifications of pathogenicity. Review status: criteria provided, conflicting classifications (1 of 4 stars). 5 submissions from 5 submitters: Uncertain significance (3); Likely benign (2). Last evaluated 2024-06-10.

Conditions:
Holoprosencephaly 11 (HPE11). Identifiers: Orphanet 2162, MedGen C3280215, MONDO:0013642, OMIM 614226.
Inborn genetic diseases. Identifiers: MedGen C0950123, MeSH D030342.

Allele frequency attached by ClinVar (database versions not stated): gnomAD exomes 0.00005 and 0.00006; ExAC 0.00007; ESP Exome Variant Server 0.00008; gnomAD 0.00008 and 0.00009; TOPMed 0.00010; 1000 Genomes Project 0.00020; 1000 Genomes Project 30x 0.00031.

Submissions (5):

GeneDx
Classification: Uncertain significance. Last evaluated: 2024-06-10. Review status: criteria provided, single submitter. Criteria: GeneDx Variant Classification Process June 2021. Collection method: clinical testing. Allele origin: germline. Affected: yes.
Comment: In silico analysis indicates that this missense variant does not alter protein structure/function; Has not been previously published as pathogenic or benign to our knowledge

Labcorp Genetics (formerly Invitae), Labcorp
Classification: Uncertain significance for Holoprosencephaly 11. Last evaluated: 2022-11-11. Review status: criteria provided, single submitter. Criteria: Invitae Variant Classification Sherloc (09022015). Collection method: clinical testing. Allele origin: germline.
Comment: In summary, the available evidence is currently insufficient to determine the role of this variant in disease. Therefore, it has been classified as a Variant of Uncertain Significance. Advanced modeling of protein sequence and biophysical properties (such as structural, functional, and spatial information, amino acid conservation, physicochemical variation, residue mobility, and thermodynamic stability) performed at Invitae indicates that this missense variant is not expected to disrupt CDON protein function. ClinVar contains an entry for this variant (Variation ID: 877741). This variant has not been reported in the literature in individuals affected with CDON-related conditions. This variant is present in population databases (rs200042535, gnomAD 0.009%). This sequence change replaces glycine, which is neutral and non-polar, with aspartic acid, which is acidic and polar, at codon 1201 of the CDON protein (p.Gly1201Asp).

Department of Pathology and Laboratory Medicine, Sinai Health System
Classification: Likely benign for holoprosencephaly 11. Last evaluated: 2021-08-12. Review status: criteria provided, single submitter. Criteria: ACMG Guidelines, 2015. Collection method: research. Allele origin: germline.

Ambry Genetics
Classification: Uncertain significance for Inborn genetic diseases. Last evaluated: 2021-08-02. Review status: criteria provided, single submitter. Criteria: Ambry Variant Classification Scheme 2023. Collection method: clinical testing. Allele origin: germline.

Illumina Laboratory Services, Illumina
Classification: Likely benign for Holoprosencephaly 11. Last evaluated: 2018-01-12. Review status: criteria provided, single submitter. Criteria: ICSL Variant Classification Criteria 13 December 2019. Collection method: clinical testing. Allele origin: germline.
Comment: This variant was observed in the ICSL laboratory as part of a predisposition screen in an ostensibly healthy population. It had not been previously curated by ICSL or reported in the Human Gene Mutation Database (HGMD: prior to June 1st, 2018), and was therefore a candidate for classification through an automated scoring system. Utilizing variant allele frequency, disease prevalence and penetrance estimates, and inheritance mode, an automated score was calculated to assess if this variant is too frequent to cause the disease. Based on the score and internal cut-off values, a variant classified as likely benign is not then subjected to further curation. The score for this variant resulted in a classification of likely benign for this disease.